The following is an entry in ClinVar:

NM_001429.4(EP300):c.2904T>C (p.Ala968=)

Genes: EP300 (EP300 lysine acetyltransferase; plus strand), LOC126863158 (BRD4-independent group 4 enhancer GRCh37_chr22:41547383-41548582; plus strand). Cytogenetic location: 22q13.2.
Variant type: single nucleotide variant.
Coding change: c.2904T>C on transcript NM_001429.4 (MANE Select); coding-DNA position 2904, T replaced by C.
Protein change: p.Ala968=; no amino-acid change (alanine 968 retained).
Molecular consequence: synonymous variant.
Genome position (GRCh38, 1-based): chr22:41,151,919, T>C. VCF-style: chr22-41151919-T-C. GRCh37 (hg19) VCF-style: chr22-41547923-T-C.
Other names: c.2826T>C, p.Ala942= (NM_001362843.2).
Identifiers: ClinVar variation 3344455 (VCV003344455.2).

ClinVar aggregate classification (germline): Likely benign. Review status: criteria provided, single submitter (1 of 4 stars). 2 submissions from 2 submitters: Likely benign (1). 1 of the submissions does not count toward it. Last evaluated 2025-09-27.

Conditions:
Rubinstein-Taybi syndrome due to EP300 haploinsufficiency. Also called: EP300-Related Rubinstein-Taybi Syndrome; RUBINSTEIN-TAYBI SYNDROME 2. Identifiers: Orphanet 353284, Orphanet 783, MedGen C3150941, MONDO:0013364, OMIM 613684.
EP300-related disorder. Also called: EP300-related condition; EP300-related disorders.

Submissions (2):

Labcorp Genetics (formerly Invitae), Labcorp
Classification: Likely benign for Rubinstein-Taybi syndrome due to EP300 haploinsufficiency. Last evaluated: 2025-09-27. Review status: criteria provided, single submitter. Criteria: Invitae Variant Classification Sherloc (09022015). Collection method: clinical testing. Allele origin: germline.

PreventionGenetics, part of Exact Sciences
Classification: Likely benign for EP300-related condition. Last evaluated: 2024-08-06. Review status: no assertion criteria provided. Collection method: clinical testing. Allele origin: germline. Not counted in ClinVar's aggregate classification.
Comment: This variant is classified as likely benign based on ACMG/AMP sequence variant interpretation guidelines (Richards et al. 2015 PMID: 25741868, with internal and published modifications).